The following is an entry in ClinVar:

ClinVar aggregate classification (germline): Likely benign. Review status: criteria provided, multiple submitters, no conflicts (2 of 4 stars). 3 submissions from 3 submitters: Likely benign (3). Last evaluated 2025-12-01.

Allele frequency attached by ClinVar (database versions not stated): ExAC 0.00001; gnomAD exomes 0.00003; TOPMed 0.00007; gnomAD 0.00009 and 0.00011.
gnomAD v4.1: 67 of 1,611,802 alleles (0.0042%); highest among the groups gnomAD compares: Admixed American, 0.028%; no homozygotes.

Submissions (3):

Labcorp Genetics (formerly Invitae), Labcorp
Classification: Likely benign. Last evaluated: 2025-12-01. Review status: criteria provided, single submitter. Criteria: Invitae Variant Classification Sherloc (09022015). Collection method: clinical testing. Allele origin: germline.

Blueprint Genetics
Classification: Likely benign. Last evaluated: 2022-06-13. Review status: criteria provided, single submitter. Criteria: ACMG Guidelines, 2015. Collection method: clinical testing. Allele origin: germline.

GeneDx
Classification: Likely benign. Last evaluated: 2017-03-30. Review status: criteria provided, single submitter. Criteria: GeneDx Variant Classification (06012015). Collection method: clinical testing. Allele origin: germline. Affected: yes.
Comment: This variant is considered likely benign or benign based on one or more of the following criteria: it is a conservative change, it occurs at a poorly conserved position in the protein, it is predicted to be benign by multiple in silico algorithms, and/or has population frequency not consistent with disease.

NM_001854.4(COL11A1):c.3438+11T>C

Gene: COL11A1 (collagen type XI alpha 1 chain; minus strand). Cytogenetic location: 1p21.1.
Variant type: single nucleotide variant.
Coding change: c.3438+11T>C on transcript NM_001854.4 (MANE Select); 11 bases into the intron after coding-DNA position 3438, T replaced by C.
Molecular consequence: intron variant.
Genome position (GRCh38, 1-based): chr1:102,939,024, A>G on the plus strand (T>C on the coding strand, the complement: COL11A1 is on the minus strand). VCF-style: chr1-102939024-A-G. GRCh37 (hg19) VCF-style: chr1-103404580-A-G.
Other names: c.3321+11T>C (NM_001190709.2); c.3474+11T>C (NM_080629.3); c.3090+11T>C (NM_080630.4).
Identifiers: ClinVar variation 508453 (VCV000508453.9), dbSNP rs765352070, ClinGen allele CA974024.